The following is an entry in ClinVar:

ClinVar aggregate classification (germline): Pathogenic (1 of 4 stars; one submission).

Conditions:
Lynch syndrome 5 (LYNCH5). Also called: Colorectal cancer, hereditary nonpolyposis, type 5; Hereditary non-polyposis colorectal cancer, type 5. Identifiers: Orphanet 144, MedGen C1833477, MONDO:0013710, OMIM 614350. Disease mechanism: loss of function.

Submission:

Myriad Genetics, Inc.
Classification: Pathogenic for Lynch syndrome 5. Last evaluated: 2024-12-23. Review status: criteria provided, single submitter. Criteria: Myriad Autosomal Dominant, Autosomal Recessive and X-Linked Classification Criteria (2023). Collection method: clinical testing. Allele origin: unknown.
Comment: This variant is considered pathogenic. This variant creates a frameshift predicted to result in premature protein truncation.

NM_000179.3(MSH6):c.3102dup (p.Arg1035fs)

Gene: MSH6 (mutS homolog 6; plus strand). Cytogenetic location: 2p16.3.
Variant type: Duplication.
Coding change: c.3102dup on transcript NM_000179.3 (MANE Select); coding-DNA position 3102, one base duplicated (G; older notation c.3102dupG).
Protein change: p.Arg1035fs; shifts the reading frame from arginine 1035.
Molecular consequence: frameshift variant. On other transcripts: non-coding transcript variant (5), intron variant (2).
Genome position (GRCh38, 1-based): chr2:47,801,085, G duplicated; the last of 2 consecutive G bases (chr2:47,801,084-47,801,085); duplicating either gives the same sequence. VCF-style (leftmost placement, unchanged base first): chr2-47801083-C-CG. GRCh37 (hg19) VCF-style: chr2-48028222-C-CG.
Other names: c.2712dup, p.Arg905fs (NM_001281492.2); c.2196dup, p.Arg733fs (NM_001281493.2, NM_001281494.2, NM_001406811.1 and 6 more transcripts); c.3198dup, p.Arg1067fs (NM_001406795.1, NM_001406802.1); c.3102dup, p.Arg1035fs (NM_001406796.1, NM_001406798.1, NM_001406800.1 and 2 more transcripts); c.2805dup, p.Arg936fs (NM_001406797.1, NM_001406801.1, NM_001406805.1 and 10 more transcripts); c.2577dup, p.Arg860fs (NM_001406799.1, NM_001406806.1, NM_001406807.1); c.3024dup, p.Arg1009fs (NM_001406804.1); c.3108dup, p.Arg1037fs (NM_001406813.1); and 4 more; short protein forms R1009fs, R1035fs, R1037fs, R1067fs, R350fs, R733fs, R860fs, R905fs.
Identifiers: ClinVar variation 3904685 (VCV003904685.1).
Genomic context (GRCh38, chr2:47,801,083, plus strand): 5'-AAGTTGGCTAATCTCATAAATGCTGAAGAACGGAGGGATGTATCATTGAAGGACTGCATG[C>CG]GGCGACTGTTCTATAACTTTGATAAAAATTACAAGGACTGGCAGTCTGCTGTAGAGTGTA-3'